The following is an entry in ClinVar:

ClinVar aggregate classification (germline): Pathogenic. Review status: criteria provided, multiple submitters, no conflicts (2 of 4 stars). 17 submissions from 17 submitters: Pathogenic (17). Last evaluated 2026-04-01.

Conditions:
Myopathy, myofibrillar, 9, with early respiratory failure (MFM9). Also called: Hereditary myopathy with early respiratory failure; MYOPATHY, PROXIMAL, WITH EARLY RESPIRATORY MUSCLE INVOLVEMENT; EDSTROM MYOPATHY; Myopathy, distal, with early respiratory failure, autosomal dominant. Identifiers: Orphanet 178464, Orphanet 34521, MedGen C1863599, MONDO:0011362, OMIM 603689.
Autosomal recessive limb-girdle muscular dystrophy type 2J (LGMDR10). Also called: Limb-girdle muscular dystrophy, type 2J; MUSCULAR DYSTROPHY, LIMB-GIRDLE, AUTOSOMAL RECESSIVE 10. Identifiers: Orphanet 140922, MedGen C1837342, MONDO:0012127, OMIM 608807.
Tibial muscular dystrophy (TMD). Also called: UDD MYOPATHY; Tibial muscular dystrophy, tardive; Udd Distal Myopathy – Tibial Muscular Dystrophy. Identifiers: Orphanet 609, MedGen C1838244, MONDO:0010870, OMIM 600334.
Primary dilated cardiomyopathy (DCM). Also called: Dilated Cardiomyopathy. Identifiers: Orphanet 217604, MedGen C0007193, MeSH D002311, MONDO:0005021, HP:0001644. Inheritance: Various modes of inheritance.
TTN-related disorder. Also called: TTN-related disorders; TTN-related condition; TTN-related disease.
Cardiovascular phenotype. Identifiers: MedGen CN230736.
Dilated cardiomyopathy 1G (CMD1G). Identifiers: Orphanet 154, MedGen C1858763, MONDO:0011400, OMIM 604145.
Primary familial dilated cardiomyopathy (FDC). Also called: Hypokinetic dilated cardiomyopathy, familial; Familial dilated cardiomyopathy. Identifiers: Orphanet 217607, MedGen C0340427, MONDO:0016333.
Hypertrophic cardiomyopathy 9. Also called: Familial hypertrophic cardiomyopathy 9. Identifiers: MedGen C1861065, MONDO:0013412, OMIM 613765.
Early-onset myopathy with fatal cardiomyopathy (CMYO5). Also called: CONGENITAL MYOPATHY 5 WITH CARDIOMYOPATHY; Salih Myopathy. Identifiers: Orphanet 289377, MedGen C2673677, MONDO:0012714, OMIM 611705. Disease mechanism: loss of function.
Cardiomyopathy (CMYO). Also called: Cardiomyopathies. Identifiers: Orphanet 167848, MedGen C0878544, MONDO:0004994, HP:0001638. Inheritance: Various modes of inheritance.

Allele frequency attached by ClinVar (database versions not stated): ExAC 0.00001; gnomAD exomes 0.00002 and 0.00003; TOPMed 0.00002; gnomAD 0.00003.

Submissions 1 to 3 of 17:

Ambry Genetics
Classification: Pathogenic for Cardiovascular phenotype. Last evaluated: 2026-04-01. Review status: criteria provided, single submitter. Criteria: Ambry Variant Classification Scheme 2023. Collection method: clinical testing. Allele origin: germline.
Comment: The c.22453+2del intronic variant results in the deletion of one nucleotide located two nucleotides after exon 92 (coding exon 91) of the TTN gene. Alterations that disrupt the canonical splice site are expected to cause aberrant splicing, resulting in an abnormal protein or a transcript that is subject to nonsense-mediated mRNA decay. Based on data from gnomAD, this allele has an overall frequency of 0.002% (6/275554) total alleles studied. The highest observed frequency was 0.004% (5/126328) of European (non-Finnish) alleles. This variant was identified in one or more individuals with features consistent with dilated cardiomyopathy and segregated with disease in at least one family (Herman, 2012; Johnson, 2023; Murphy, 2024; Cannat&agrave;, 2022; Akhtar, 2020). This exon is located in the A-band region of the N2-B isoform of the titin protein and is constitutively expressed in TTN transcripts (percent spliced in or PSI 100%). While loss of function variants in TTN are present in 1-3% of the general population, truncating variants (a category that includes canonical splice site variants) in the A-band are the most common cause of dilated cardiomyopathy (DCM) (Herman, 2012; Roberts, 2015). TTN truncating variants encoded in constitutive exons (PSI >90%) have been found to be significantly associated with DCM regardless of their position in titin (Schafer, 2017; Akhtar, 2020; Massier, 2025). RNA studies have demonstrated that this variant results in abnormal splicing in the set of samples tested (Herman, 2012). In silico splice site analysis predicts that this alteration will weaken the native splice donor site. Based on the available evidence, this alteration is classified as pathogenic.

Labcorp Genetics (formerly Invitae), Labcorp
Classification: Pathogenic for Dilated cardiomyopathy 1G; Autosomal recessive limb-girdle muscular dystrophy type 2J. Last evaluated: 2026-01-27. Review status: criteria provided, single submitter. Criteria: Invitae Variant Classification Sherloc (09022015). Collection method: clinical testing. Allele origin: germline.
Comment: This sequence change affects a splice site in intron 264 of the TTN gene. It is expected to disrupt RNA splicing and likely results in a truncated or disrupted TTN protein. This variant is present in population databases (rs727504851, gnomAD 0.005%). Disruption of this splice site has been observed in individuals with dilated cardiomyopathy (PMID: 22335739). It has also been observed to segregate with disease in related individuals. This variant is also known as c.44725+2delT. ClinVar contains an entry for this variant (Variation ID: 179411). Algorithms developed to predict the effect of sequence changes on RNA splicing suggest that this variant may disrupt the consensus splice site. This variant is located in the A band of TTN (PMID: 25589632). Truncating variants in this region are significantly overrepresented in patients affected with dilated cardiomyopathy (PMID: 25589632). Truncating variants in this region have also been reported in individuals affected with autosomal recessive centronuclear myopathy (PMID: 23975875). For these reasons, this variant has been classified as Pathogenic.

Women's Health and Genetics/Laboratory Corporation of America, LabCorp
Classification: Pathogenic for Primary familial dilated cardiomyopathy. Last evaluated: 2025-12-19. Review status: criteria provided, single submitter. Criteria: LabCorp Variant Classification Summary - May 2015. Collection method: clinical testing. Allele origin: germline.
Comment: Variant summary: TTN c.41944+2delT (also known as NM_001256850:c.44725+2delT, NM_003319:c.22453+2delT, NM_001267550:c.49648+2delT) is located in a canonical splice-site and is predicted to affect mRNA splicing resulting in a significantly altered protein due to either exon skipping, shortening, or inclusion of intronic material. Variants that disrupt the consensus splice site are a relatively common cause of aberrant splicing and loss of TTN function. Loss of function variants in all TTN bands are strongly associated with a spectrum of autosomal recessive titinopathies when exon expression (proportion spliced in, PSI, 1=complete expression) in skeletal muscle is >0.1 (PMID: 36977548, 39198997, 29598826, 32778822, 29691892, 33449170, 36977548, internal data). In contrast, loss of function variants in all TTN bands are only strongly associated with autosomal dominant TTN-related cardiomyopathies if located in exons constitutively expressed (PSI >0.9) in cardiac muscle, excluding extreme C-terminal exons 359-363 (PMID: 25589632, 31216868, 32964742, 34662387, 27869827, Shetty et al., Nat Cardiovasc Res 2024,, internal data). This variant has a maximum skeletal muscle PSI of 0.963 and a maximum cardiac muscle PSI of 1.000. Several computational tools predict a significant impact on normal splicing: Two predict the variant abolishes a 5 splicing donor site. At least one publication reports experimental evidence that this variant affects mRNA splicing in patient RNA derived from left ventricular cardiac tissue, demonstrating that in a minority of the variant transcript pool, exon 213 was skipped (resulting in a predicted frameshift), however these data were inconclusive (example, Herman_2012). The variant allele was found at a frequency of 3e-05 in 1608536 control chromosomes. This frequency is not significantly higher than estimated for disease-causing variants in TTN, allowing no conclusion about variant significance. c.41944+2delT has been observed in the presumed heterozygous state in numerous individual(s) affected with clinical features or diagnosis of autosomal dominant Dilated Cardiomyopathy and/or other TTN-related cardiac phenotypes, including at least 1 family where it segregated with disease (Herman_2012, Jurgens_2022, Mazzarotto_2021, Murphy_2024, Goli_2021, Choi_2020, Cannata_2022, Akhtar_2020, Choi_2018). To our knowledge, this variant has not been observed in any affected individuals with autosomal recessive TTNopathies. These data indicate that the variant is likely to be associated with disease. The following publications have been ascertained in the context of this evaluation (PMID: 22335739, 30150400, 35177841, 33500567, 38489124, 33874732, 31691645, 29892087, 24980681, 35138330, 32964742, 24503780, 33373724, 35544052, 37671549, 38438525, 30535219). ClinVar contains an entry for this variant (Variation ID: 179411). Based on the evidence outlined above, the variant was classified as pathogenic for both autosomal dominant and autosomal recessive TTN-related conditions.

NM_001267550.2(TTN):c.49648+2del

Genes: TTN (titin; minus strand), TTN-AS1 (TTN antisense RNA 1; plus strand). Cytogenetic location: 2q31.2.
Variant type: Deletion.
Coding change: c.49648+2del on transcript NM_001267550.2 (MANE Select); the canonical splice donor site of the intron after coding-DNA position 49648, one base deleted (T; older notation c.49648+2delT).
Molecular consequence: splice donor variant.
Genome position (GRCh38, 1-based): chr2:178,613,159, A deleted on the plus strand (T on the coding strand, the reverse complement: TTN is on the minus strand). VCF-style (leftmost placement, unchanged base first): chr2-178613158-TA-T. GRCh37 (hg19) VCF-style: chr2-179477885-TA-T.
Other names: c.41944+2delT (NM_133378.4); c.49648+2delT (NM_001267550.2); c.22453+2delT (NM_003319.4); c.22453+2del (NM_003319.4); c.23029+2del (NM_133437.4); c.22828+2del (NM_133432.3); c.41944+2del (NM_133378.4); c.44725+2del (NM_001256850.1); and 1 more.
Identifiers: ClinVar variation 179411 (VCV000179411.74), dbSNP rs727504851, ClinGen allele CA273623.